The following is an entry in ClinVar:

NM_015631.6(TCTN3):c.153A>G (p.Ser51=)

Genes: TCTN3 (tectonic family member 3; minus strand), LOC130004408 (ATAC-STARR-seq lymphoblastoid active region 3801; plus strand). Cytogenetic location: 10q24.1.
Variant type: single nucleotide variant.
Coding change: c.153A>G on transcript NM_015631.6 (MANE Select); coding-DNA position 153, A replaced by G.
Protein change: p.Ser51=; no amino-acid change (serine 51 retained).
Molecular consequence: synonymous variant.
Genome position (GRCh38, 1-based): chr10:95,693,747, T>C on the plus strand (A>G on the coding strand, the complement: TCTN3 is on the minus strand). VCF-style: chr10-95693747-T-C. GRCh37 (hg19) VCF-style: chr10-97453504-T-C.
Other names: c.153A>G, p.Ser51= (NM_001143973.2).
Identifiers: ClinVar variation 511205 (VCV000511205.12), dbSNP rs937027387, ClinGen allele CA211808472.

ClinVar aggregate classification (germline): Likely benign. Review status: criteria provided, multiple submitters, no conflicts (2 of 4 stars). 3 submissions from 3 submitters: Likely benign (3). Last evaluated 2025-11-01.

Conditions:
Orofacial-digital syndrome IV (OFD4). Also called: OFD SYNDROME WITH TIBIAL DEFECTS; OFD SYNDROME, BARAITSER-BURN TYPE; OFDS IV; ORAL-FACIAL-DIGITAL SYNDROME, TYPE IV; BARAITSER-BURN SYNDROME; MOHR-MAJEWSKI SYNDROME. Identifiers: Orphanet 2753, MedGen C0406727, MONDO:0009794, OMIM 258860.
Joubert syndrome 18 (JBTS18). Identifiers: Orphanet 2754, MedGen C3553758, MONDO:0013896, OMIM 614815.

Allele frequency attached by ClinVar (database versions not stated): gnomAD exomes below 0.00001 and 0.00001; TOPMed 0.00002; gnomAD 0.00003.
gnomAD v4.1: 12 of 1,551,648 alleles (0.00077%); highest among the groups gnomAD compares: Admixed American, 0.012%; no homozygotes.

Submissions (3):

Labcorp Genetics (formerly Invitae), Labcorp
Classification: Likely benign for Joubert syndrome 18; Orofacial-digital syndrome IV. Last evaluated: 2025-11-01. Review status: criteria provided, single submitter. Criteria: Invitae Variant Classification Sherloc (09022015). Collection method: clinical testing. Allele origin: germline.

Blueprint Genetics
Classification: Likely benign. Last evaluated: 2022-06-10. Review status: criteria provided, single submitter. Criteria: ACMG Guidelines, 2015. Collection method: clinical testing. Allele origin: germline.

GeneDx
Classification: Likely benign. Last evaluated: 2017-08-07. Review status: criteria provided, single submitter. Criteria: GeneDx Variant Classification (06012015). Collection method: clinical testing. Allele origin: germline. Affected: yes.
Comment: This variant is considered likely benign or benign based on one or more of the following criteria: it is a conservative change, it occurs at a poorly conserved position in the protein, it is predicted to be benign by multiple in silico algorithms, and/or has population frequency not consistent with disease.